The following is an entry in ClinVar:

NM_003292.3(TPR):c.*1087G>T

Genes: PRG4 (proteoglycan 4; plus strand), TPR (translocated promoter region, nuclear basket protein; minus strand). Cytogenetic location: 1q31.1.
Variant type: single nucleotide variant.
Coding change: c.*1087G>T on transcript NM_003292.3 (MANE Select); 1087 bases downstream of the stop codon, G replaced by T.
Molecular consequence: 3 prime UTR variant. On other transcripts: synonymous variant (5).
Genome position (GRCh38, 1-based): chr1:186,312,884, C>A on the plus strand (G>T on the coding strand, the complement: TPR is on the minus strand). VCF-style: chr1-186312884-C-A. GRCh37 (hg19) VCF-style: chr1-186282016-C-A.
Other names: c.3984C>A, p.Ala1328= (NM_001127708.3); c.3828C>A, p.Ala1276= (NM_001127709.3); c.3705C>A, p.Ala1235= (NM_001127710.3); c.3978C>A, p.Ala1326= (NM_001303232.2); c.4107C>A, p.Ala1369= (NM_005807.6).
Identifiers: ClinVar variation 732422 (VCV000732422.30), dbSNP rs80196755, ClinGen allele CA1296833.
Genomic context (GRCh38, chr1:186,312,884, plus strand): 5'-GGTTACCTCAGCTATATCACTGCCCAACATCAGAAAACCTGACGGCTATGATTACTATGC[C>A]TTTTCTAAAGGTAAGGTATTAACTAACAGTTTCCCAAGGAGGTGATATCATTTGTGAAAA-3'

ClinVar aggregate classification (germline): Benign/Likely benign. Review status: criteria provided, multiple submitters, no conflicts (2 of 4 stars). 4 submissions from 4 submitters: Benign (2); Likely benign (2). Last evaluated 2024-11-21.

Allele frequency attached by ClinVar (database versions not stated): 1000 Genomes Project 0.00200; 1000 Genomes Project 30x 0.00234; ExAC 0.00293; gnomAD 0.00295 and 0.00306; gnomAD exomes 0.00311 and 0.00356; ESP Exome Variant Server 0.00323; TOPMed 0.00355.
gnomAD v4.1: 5,662 of 1,612,100 alleles (0.35%); highest among the groups gnomAD compares: Admixed American, 0.6%; 21 homozygotes.

Submissions (4):

Blueprint Genetics
Classification: Likely benign. Last evaluated: 2024-11-21. Review status: criteria provided, single submitter. Criteria: ACMG Guidelines, 2015. Collection method: clinical testing. Allele origin: germline.

CeGaT Center for Human Genetics Tuebingen
Classification: Likely benign. Last evaluated: 2022-12-01. Review status: criteria provided, single submitter. Criteria: CeGaT Center For Human Genetics Tuebingen Variant Classification Criteria Version 2. Collection method: clinical testing. Allele origin: germline. Affected: yes. Observed: 3 variant alleles.
Comment: PRG4: BP4, BP7, BS2; TPR: BS2

Labcorp Genetics (formerly Invitae), Labcorp
Classification: Benign. Last evaluated: 2019-12-31. Review status: criteria provided, single submitter. Criteria: Invitae Variant Classification Sherloc (09022015). Collection method: clinical testing. Allele origin: germline.

Breakthrough Genomics
Classification: Benign. Review status: criteria provided, single submitter. Criteria: ACMG Guidelines, 2015. Collection method: not provided. Allele origin: germline. Inheritance: Autosomal recessive inheritance. Affected: yes.